The following is an entry in ClinVar:

ClinVar aggregate classification (germline): Uncertain significance (1 of 4 stars; one submission).

Allele frequency attached by ClinVar (database versions not stated): TOPMed below 0.00001.

Submission:

Labcorp Genetics (formerly Invitae), Labcorp
Classification: Uncertain significance. Last evaluated: 2021-04-12. Review status: criteria provided, single submitter. Criteria: Invitae Variant Classification Sherloc (09022015). Collection method: clinical testing. Allele origin: germline.
Comment: In summary, the available evidence is currently insufficient to determine the role of this variant in disease. Therefore, it has been classified as a Variant of Uncertain Significance. Algorithms developed to predict the effect of missense changes on protein structure and function are either unavailable or do not agree on the potential impact of this missense change (SIFT: "Not Available"; PolyPhen-2: "Possibly Damaging"; Align-GVGD: "Not Available"). This variant has not been reported in the literature in individuals with CEP250-related conditions. This variant is not present in population databases (ExAC no frequency). This sequence change replaces glutamic acid with lysine at codon 1039 of the CEP250 protein (p.Glu1039Lys). The glutamic acid residue is moderately conserved and there is a small physicochemical difference between glutamic acid and lysine.

NM_007186.6(CEP250):c.3115G>A (p.Glu1039Lys)

Gene: CEP250 (centrosomal protein 250; plus strand). Cytogenetic location: 20q11.22.
Variant type: single nucleotide variant.
Coding change: c.3115G>A on transcript NM_007186.6 (MANE Select); coding-DNA position 3115, G replaced by A.
Protein change: p.Glu1039Lys; replaces glutamic acid 1039 with lysine.
Molecular consequence: missense variant.
Genome position (GRCh38, 1-based): chr20:35,494,605, G>A. VCF-style: chr20-35494605-G-A. GRCh37 (hg19) VCF-style: chr20-34082432-G-A.
Other names: c.1219G>A, p.Glu407Lys (NM_001318219.1); short protein forms E1039K, E407K.
Identifiers: ClinVar variation 1464333 (VCV001464333.6), dbSNP rs2063785497, ClinGen allele CA408742161.